The following is an entry in ClinVar:

NM_006531.5(IFT88):c.592T>G (p.Ser198Ala)

Gene: IFT88 (intraflagellar transport 88; plus strand). Cytogenetic location: 13q12.11.
Variant type: single nucleotide variant.
Coding change: c.592T>G on transcript NM_006531.5 (MANE Select); coding-DNA position 592, T replaced by G.
Protein change: p.Ser198Ala; replaces serine 198 with alanine.
Molecular consequence: missense variant. On other transcripts: 5 prime UTR variant (1), non-coding transcript variant (5).
Genome position (GRCh38, 1-based): chr13:20,597,117, T>G. VCF-style: chr13-20597117-T-G. GRCh37 (hg19) VCF-style: chr13-21171256-T-G.
Other names: c.535T>G, p.Ser179Ala (NM_001353575.2, NM_001353573.2, NM_001353574.2 and 1 more transcripts); c.619T>G, p.Ser207Ala (NM_001353576.2, NM_001353577.2, NM_175605.5 and 6 more transcripts); c.592T>G, p.Ser198Ala (NM_001353578.2, NM_001353572.2, NM_001353568.2 and 1 more transcripts); c.-42T>G (NM_001353579.2); short protein forms S179A, S198A, S207A.
Identifiers: ClinVar variation 4781156 (VCV004781156.1).
Genomic context (GRCh38, chr13:20,597,117, plus strand): 5'-CTGGTGAGACAGCGAGAACAAGTTACAACTCCAGAAAATATCAATTTGGATTTAACTTAC[T>G]CAGTAAGTATTGAAATATAACACAATTTTTAAATAAAATTTTGACTAGGGTTAATGGGTT-3'
Protein context (NP_006522.2, residues 188-208): PENINLDLTY[Ser198Ala]VLFNLASQYS

ClinVar aggregate classification (germline): Uncertain significance (1 of 4 stars; one submission).

gnomAD v4.1: 12 of 1,542,714 alleles (0.00078%); highest among the groups gnomAD compares: South Asian, 0.014%; 1 homozygote.

Submission:

Labcorp Genetics (formerly Invitae), Labcorp
Classification: Uncertain significance. Last evaluated: 2025-06-17. Review status: criteria provided, single submitter. Criteria: Invitae Variant Classification Sherloc (09022015). Collection method: clinical testing. Allele origin: germline.
Comment: This sequence change replaces serine, which is neutral and polar, with alanine, which is neutral and non-polar, at codon 207 of the IFT88 protein (p.Ser207Ala). This variant is present in population databases (rs774211111, gnomAD 0.01%). This variant has not been reported in the literature in individuals affected with IFT88-related conditions. An algorithm developed to predict the effect of missense changes on protein structure and function (PolyPhen-2) suggests that this variant is likely to be tolerated. In summary, the available evidence is currently insufficient to determine the role of this variant in disease. Therefore, it has been classified as a Variant of Uncertain Significance.